The following is an entry in ClinVar:

NM_000290.4(PGAM2):c.221C>T (p.Thr74Met)

Genes: DBNL (drebrin like; plus strand), PGAM2 (phosphoglycerate mutase 2; minus strand), LOC129998343 (ATAC-STARR-seq lymphoblastoid active region 25926; plus strand). Cytogenetic location: 7p13.
Variant type: single nucleotide variant.
Coding change: c.221C>T on transcript NM_000290.4 (MANE Select); coding-DNA position 221, C replaced by T.
Protein change: p.Thr74Met; replaces threonine 74 with methionine.
Molecular consequence: missense variant. On other transcripts: 3 prime UTR variant (6).
Genome position (GRCh38, 1-based): chr7:44,065,309, G>A on the plus strand (C>T on the coding strand, the complement: PGAM2 is on the minus strand). VCF-style: chr7-44065309-G-A. GRCh37 (hg19) VCF-style: chr7-44104908-G-A.
Other names: c.*4393G>A (NM_001014436.3, NM_001122956.2, NM_001284313.2 and 3 more transcripts); short protein forms T74M.
Identifiers: ClinVar variation 2168327 (VCV002168327.1), dbSNP rs146457753, ClinGen allele CA4236648.

ClinVar aggregate classification (germline): Uncertain significance (1 of 4 stars; one submission).

Conditions:
Glycogen storage disease type X (GSD10). Also called: Glycogen storage disease due to phosphoglycerate mutase deficiency; PGAMM DEFICIENCY; PHOSPHOGLYCERATE MUTASE, MUSCLE, DEFICIENCY OF; Dimauro disease; GSD X; MYOPATHY DUE TO PHOSPHOGLYCERATE MUTASE DEFICIENCY. Identifiers: Orphanet 97234, MedGen C0268149, MONDO:0009865, OMIM 261670.

Allele frequency attached by ClinVar (database versions not stated): TOPMed 0.00001; gnomAD 0.00005; ESP Exome Variant Server 0.00008; gnomAD exomes 0.00008; ExAC 0.00017; 1000 Genomes Project 30x 0.00062; 1000 Genomes Project 0.00080.
gnomAD v4.1: 118 of 1,613,584 alleles (0.0073%); highest among the groups gnomAD compares: South Asian, 0.1%; 1 homozygote.

Submission:

Labcorp Genetics (formerly Invitae), Labcorp
Classification: Uncertain significance for Glycogen storage disease type X. Last evaluated: 2022-02-22. Review status: criteria provided, single submitter. Criteria: Invitae Variant Classification Sherloc (09022015). Collection method: clinical testing. Allele origin: germline.
Comment: This sequence change replaces threonine, which is neutral and polar, with methionine, which is neutral and non-polar, at codon 74 of the PGAM2 protein (p.Thr74Met). This variant is present in population databases (rs146457753, gnomAD 0.1%). This variant has not been reported in the literature in individuals affected with PGAM2-related conditions. Algorithms developed to predict the effect of missense changes on protein structure and function are either unavailable or do not agree on the potential impact of this missense change (SIFT: "Deleterious"; PolyPhen-2: "Possibly Damaging"; Align-GVGD: "Class C0"). In summary, the available evidence is currently insufficient to determine the role of this variant in disease. Therefore, it has been classified as a Variant of Uncertain Significance.